The following is an entry in ClinVar:

NM_023110.3(FGFR1):c.2187-1G>A

Gene: FGFR1 (fibroblast growth factor receptor 1; minus strand). Cytogenetic location: 8p11.23.
Variant type: single nucleotide variant.
Coding change: c.2187-1G>A on transcript NM_023110.3 (MANE Select); the canonical splice acceptor site of the intron before coding-DNA position 2187, G replaced by A.
Molecular consequence: splice acceptor variant.
Genome position (GRCh38, 1-based): chr8:38,414,024, C>T on the plus strand (G>A on the coding strand, the complement: FGFR1 is on the minus strand). VCF-style: chr8-38414024-C-T. GRCh37 (hg19) VCF-style: chr8-38271542-C-T.
Other names: c.1908-1G>A (NM_001354368.2); c.1914-1G>A (NM_001354370.2, NM_023106.3); c.1920-1G>A (NM_023105.3, NM_001174066.2); c.2181-1G>A (NM_001354367.2, NM_015850.4, NM_001174063.2 and 1 more transcripts); c.2157-1G>A (NM_001174064.2); c.2175-1G>A (NM_001354369.2, NM_001410922.1); c.2280-1G>A (NM_001174067.2).
Identifiers: ClinVar variation 1338919 (VCV001338919.2), dbSNP rs2150524268, ClinGen allele CA370728255.
Genomic context (GRCh38, chr8:38,414,024, plus strand): 5'-TGCTTGAAGGTGGGTCTCTGTGAGGGCACTGCATGCCAGCAGTCCCGCATCATCATGTAC[C>T]TGCGGCAGGACTGTAAGGTCAGGGACGTCTCCTGGAGATGGATACTCTCTAGTCTAGCCC-3'

ClinVar aggregate classification (germline): Pathogenic (1 of 4 stars; one submission).

Submission:

GeneDx
Classification: Pathogenic. Last evaluated: 2022-01-21. Review status: criteria provided, single submitter. Criteria: GeneDx Variant Classification Process June 2021. Collection method: clinical testing. Allele origin: germline. Affected: yes.
Comment: Not observed in large population cohorts (gnomAD); Canonical splice site variant predicted to result in a null allele in a gene for which loss-of-function is a known mechanism of disease; Has not been previously published as pathogenic or benign to our knowledge